The following is an entry in ClinVar:

ClinVar aggregate classification (germline): Uncertain significance (1 of 4 stars; one submission).

Conditions:
Familial hemophagocytic lymphohistiocytosis 3 (FHL3). Also called: UNC13D-Related Familial Hemophagocytic Lymphohistiocytosis (UNC13D-fHLH). Identifiers: Orphanet 540, MedGen C1837174, MONDO:0012146, OMIM 608898.

Submission:

Labcorp Genetics (formerly Invitae), Labcorp
Classification: Uncertain significance for Familial hemophagocytic lymphohistiocytosis 3. Last evaluated: 2022-03-19. Review status: criteria provided, single submitter. Criteria: Invitae Variant Classification Sherloc (09022015). Collection method: clinical testing. Allele origin: germline.
Comment: This sequence change replaces aspartic acid, which is acidic and polar, with glutamic acid, which is acidic and polar, at codon 324 of the UNC13D protein (p.Asp324Glu). This variant is not present in population databases (gnomAD no frequency). This variant has not been reported in the literature in individuals affected with UNC13D-related conditions. ClinVar contains an entry for this variant (Variation ID: 1039862). Algorithms developed to predict the effect of missense changes on protein structure and function are either unavailable or do not agree on the potential impact of this missense change (SIFT: "Not Available"; PolyPhen-2: "Benign"; Align-GVGD: "Not Available"). In summary, the available evidence is currently insufficient to determine the role of this variant in disease. Therefore, it has been classified as a Variant of Uncertain Significance.

NM_199242.3(UNC13D):c.972C>G (p.Asp324Glu)

Gene: UNC13D (unc-13 homolog D; minus strand). Cytogenetic location: 17q25.1.
Variant type: single nucleotide variant.
Coding change: c.972C>G on transcript NM_199242.3 (MANE Select); coding-DNA position 972, C replaced by G.
Protein change: p.Asp324Glu; replaces aspartic acid 324 with glutamic acid.
Molecular consequence: missense variant.
Genome position (GRCh38, 1-based): chr17:75,839,922, G>C on the plus strand (C>G on the coding strand, the complement: UNC13D is on the minus strand). VCF-style: chr17-75839922-G-C. GRCh37 (hg19) VCF-style: chr17-73836003-G-C.
Other names: short protein forms D324E.
Identifiers: ClinVar variation 1039862 (VCV001039862.7), dbSNP rs368990813, ClinGen allele CA401106694.